The following is an entry in ClinVar:

NM_001288705.3(CSF1R):c.2041dup (p.Ala681fs)

Gene: CSF1R (colony stimulating factor 1 receptor; minus strand). Cytogenetic location: 5q32.
Variant type: Duplication.
Coding change: c.2041dup on transcript NM_001288705.3 (MANE Select); coding-DNA position 2041, one base duplicated (G; older notation c.2041dupG).
Protein change: p.Ala681fs; shifts the reading frame from alanine 681.
Molecular consequence: frameshift variant.
Genome position (GRCh38, 1-based): chr5:150,059,791, C duplicated on the plus strand (G on the coding strand, the reverse complement: CSF1R is on the minus strand); the first of 2 consecutive C bases (chr5:150,059,791-150,059,792); duplicating either gives the same sequence. VCF-style (leftmost placement, unchanged base first): chr5-150059790-G-GC. GRCh37 (hg19) VCF-style: chr5-149439353-G-GC.
Other names: c.2041dup, p.Ala681fs (NM_001349736.2, NM_001375320.1, NM_005211.4); c.1597dup, p.Ala533fs (NM_001375321.1); short protein forms A533fs, A681fs.
Identifiers: ClinVar variation 4856255 (VCV004856255.1).

ClinVar aggregate classification (germline): Likely pathogenic (1 of 4 stars; one submission).

Conditions:
Leukoencephalopathy, diffuse hereditary, with spheroids 1 (HDLS1). Also called: DEMENTIA, FAMILIAL, NEUMANN TYPE; SUBCORTICAL GLIOSIS OF NEUMANN; CSF1R-related adult-onset leukoencephalopathy with axonal spheroids and pigmented glia. Identifiers: Orphanet 313808, MedGen C5561929, MONDO:0800027, OMIM 221820.

Submission:

3billion
Classification: Likely pathogenic for Leukoencephalopathy, diffuse hereditary, with spheroids 1. Last evaluated: 2025-11-18. Review status: criteria provided, single submitter. Criteria: ACMG Guidelines, 2015. Collection method: clinical testing. Allele origin: germline. Affected: yes.
Comment: The variant is not observed in the gnomAD v4.1.0 dataset. Predicted Consequence/Location: Frameshift: predicted to result in a loss or disruption of normal protein function through nonsense-mediated decay (NMD) or protein truncation. Multiple pathogenic variants are reported downstream of the variant. Therefore, this variant is classified as Likely pathogenic according to the recommendation of ACMG/AMP guideline.